The following is an entry in ClinVar:

NM_001370259.2(MEN1):c.273_276del (p.Arg92fs)

Gene: MEN1 (menin 1; minus strand). Cytogenetic location: 11q13.1.
Variant type: Deletion.
Coding change: c.273_276del on transcript NM_001370259.2 (MANE Select); coding-DNA positions 273 to 276, 4 bases deleted (CCGC; older notation c.273_276delCCGC).
Protein change: p.Arg92fs; shifts the reading frame from arginine 92.
Molecular consequence: frameshift variant.
Genome position (GRCh38, 1-based): chr11:64,809,834-64,809,837, GCGG deleted on the plus strand (CCGC on the coding strand, the reverse complement: MEN1 is on the minus strand); deleting any 4 consecutive bases within chr11:64,809,834-64,809,839 gives the same sequence; the c. name uses the placement nearest the transcript's 3' end. VCF-style (leftmost placement, unchanged base first): chr11-64809833-AGCGG-A. GRCh37 (hg19) VCF-style: chr11-64577305-AGCGG-A.
Other names: c.273_276delCCGC (NM_130799.2); c.273_276del, p.Arg92fs (NM_000244.4, NM_001370251.2, NM_001370260.2 and 9 more transcripts); c.273_276del (NM_130799.2); short protein forms R92fs.
Identifiers: ClinVar variation 428058 (VCV000428058.7), dbSNP rs1114167516, ClinGen allele CA645369560.
Genomic context (GRCh38, chr11:64,809,833, plus strand): 5'-AGACACCCCCTTCTCGAGGATAGAGGGACAGGTCGACGGCGCCTCGGATCTGGGCGGTGA[AGCGG>A]GCATAGAGGGCGGCGATGATAGACAGGTCGGCCACGGGAAAGTAGGTGAGGCCGCCAGGC-3'

ClinVar aggregate classification (germline): Pathogenic/Likely pathogenic. Review status: criteria provided, multiple submitters, no conflicts (2 of 4 stars). 2 submissions from 2 submitters: Pathogenic (1); Likely pathogenic (1). Last evaluated 2024-09-27.

Conditions:
Hereditary cancer-predisposing syndrome. Also called: Hereditary Cancer Syndrome; Neoplastic Syndromes, Hereditary; Hereditary neoplastic syndrome; Tumor predisposition. Identifiers: Orphanet 140162, MedGen C0027672, MeSH D009386, MONDO:0015356.

Submissions (2):

Quest Diagnostics Nichols Institute San Juan Capistrano
Classification: Likely pathogenic. Last evaluated: 2024-09-27. Review status: criteria provided, single submitter. Criteria: Quest Diagnostics criteria. Collection method: clinical testing. Allele origin: unknown.
Comment: The MEN1 c.273_276del (p.Arg92Serfs*26) variant alters the translational reading frame of the MEN1 mRNA and is predicted to cause the premature termination of MEN1 protein synthesis. This variant has not been reported in individuals with MEN1-related conditions in the published literature. This variant has not been reported in large, multi-ethnic general populations (Genome Aggregation Database). Based on the available information, this variant is classified as likely pathogenic.

Ambry Genetics
Classification: Pathogenic for Hereditary cancer-predisposing syndrome. Last evaluated: 2015-05-29. Review status: criteria provided, single submitter. Criteria: Ambry Variant Classification Scheme 2023. Collection method: clinical testing. Allele origin: germline.
Comment: The c.273_276delCCGC pathogenic mutation, located in coding exon 1 of the MEN1 gene, results from a deletion of 4 nucleotides between positions 273 and 276, causing a translational frameshift with a predicted alternate stop codon. Since frameshifts are typically deleterious in nature, this alteration is interpreted as a disease-causing mutation (ACMG Recommendations for Standards for Interpretation and Reporting of Sequence Variations. Revision 2007. Genet Med. 2008;10:294).